The following is an entry in ClinVar:

NM_001159773.2(CANT1):c.193G>C (p.Ala65Pro)

Gene: CANT1 (calcium activated nucleotidase 1; minus strand). Cytogenetic location: 17q25.3.
Variant type: single nucleotide variant.
Coding change: c.193G>C on transcript NM_001159773.2 (MANE Select); coding-DNA position 193, G replaced by C.
Protein change: p.Ala65Pro; replaces alanine 65 with proline.
Molecular consequence: missense variant.
Genome position (GRCh38, 1-based): chr17:78,997,430, C>G on the plus strand (G>C on the coding strand, the complement: CANT1 is on the minus strand). VCF-style: chr17-78997430-C-G. GRCh37 (hg19) VCF-style: chr17-76993512-C-G.
Other names: c.193G>C, p.Ala65Pro (NM_001159772.2, NM_138793.4); short protein forms A65P.
Identifiers: ClinVar variation 2418288 (VCV002418288.3), dbSNP rs573465326, ClinGen allele CA8808794.

ClinVar aggregate classification (germline): Uncertain significance (1 of 4 stars; one submission).

Allele frequency attached by ClinVar (database versions not stated): TOPMed 0.00001; gnomAD exomes 0.00002.
gnomAD v4.1: 33 of 1,607,176 alleles (0.0021%); highest among the groups gnomAD compares: Non-Finnish European, 0.0026%; no homozygotes.

Submission:

Labcorp Genetics (formerly Invitae), Labcorp
Classification: Uncertain significance. Last evaluated: 2022-08-20. Review status: criteria provided, single submitter. Criteria: Invitae Variant Classification Sherloc (09022015). Collection method: clinical testing. Allele origin: germline.
Comment: This sequence change replaces alanine, which is neutral and non-polar, with proline, which is neutral and non-polar, at codon 65 of the CANT1 protein (p.Ala65Pro). This variant is present in population databases (rs573465326, gnomAD 0.002%). This variant has not been reported in the literature in individuals affected with CANT1-related conditions. Algorithms developed to predict the effect of missense changes on protein structure and function output the following: SIFT: "Tolerated"; PolyPhen-2: "Benign"; Align-GVGD: "Class C0". The proline amino acid residue is found in multiple mammalian species, which suggests that this missense change does not adversely affect protein function. In summary, the available evidence is currently insufficient to determine the role of this variant in disease. Therefore, it has been classified as a Variant of Uncertain Significance.